The following is an entry in ClinVar:

ClinVar aggregate classification (germline): Uncertain significance (1 of 4 stars; one submission).

gnomAD v4.1: 1 of 1,614,008 alleles (0.000062%); highest among the groups gnomAD compares: African/African-American, 0.0013%; no homozygotes.

Submission:

Ambry Genetics
Classification: Uncertain significance. Last evaluated: 2024-12-26. Review status: criteria provided, single submitter. Criteria: Ambry Variant Classification Scheme 2023. Collection method: clinical testing. Allele origin: germline.
Comment: The p.N534S variant (also known as c.1601A>G), located in coding exon 13 of the GEN1 gene, results from an A to G substitution at nucleotide position 1601. The asparagine at codon 534 is replaced by serine, an amino acid with highly similar properties. This amino acid position is conserved. In addition, this alteration is predicted to be tolerated by in silico analysis. Based on the available evidence, the clinical significance of this variant remains unclear.

NM_001130009.3(GEN1):c.1601A>G (p.Asn534Ser)

Gene: GEN1 (GEN1 Holliday junction 5' flap endonuclease; plus strand). Cytogenetic location: 2p24.2.
Variant type: single nucleotide variant.
Coding change: c.1601A>G on transcript NM_001130009.3 (MANE Select); coding-DNA position 1601, A replaced by G.
Protein change: p.Asn534Ser; replaces asparagine 534 with serine.
Molecular consequence: missense variant.
Genome position (GRCh38, 1-based): chr2:17,780,813, A>G. VCF-style: chr2-17780813-A-G. GRCh37 (hg19) VCF-style: chr2-17962080-A-G.
Other names: c.1601A>G, p.Asn534Ser (NM_182625.5); short protein forms N534S.
Identifiers: ClinVar variation 3853462 (VCV003853462.1).
Genomic context (GRCh38, chr2:17,780,813, plus strand): 5'-ATCCTACATTACCACAGGAATCTATTTCTGCCTCATTGAATAGCTTGCTTTTACCTAAAA[A>G]TACTCCATGTTTGAATGCACAAGAACAGTTCATGTCTTCTCTAAGACCTTTGGCTATACA-3'
Protein context (NP_001123481.3, residues 524-544): ASLNSLLLPK[Asn534Ser]TPCLNAQEQF